The following is an entry in ClinVar:

ClinVar aggregate classification (germline): Likely benign (1 of 4 stars; one submission).

Conditions:
Hereditary breast ovarian cancer syndrome. Also called: Hereditary breast and ovarian cancer syndrome (HBOC); BRCA1- and BRCA2-Associated Hereditary Breast and Ovarian Cancer; Hereditary breast and/or ovarian cancer syndrome; Hereditary breast and ovarian cancer syndrome; Hereditary breast and ovarian cancer; Breast and ovarian cancer. Identifiers: Orphanet 145, MedGen C0677776, MeSH D061325, MONDO:0003582. Disease mechanism: loss of function.

Submissions (2):

Labcorp Genetics (formerly Invitae), Labcorp
Classification: Likely benign for Hereditary breast ovarian cancer syndrome. Last evaluated: 2020-01-21. Review status: criteria provided, single submitter. Criteria: Invitae Variant Classification Sherloc (09022015). Collection method: clinical testing. Allele origin: germline.

Brotman Baty Institute, University of Washington
No classification provided (evidence only). Condition: Breast-ovarian cancer, familial 1. Review status: no classification provided. Collection method: in vitro. Allele origin: not applicable. Functional consequence: functionally_normal. Not counted in ClinVar's aggregate classification.
ClinVar note: "not provided" was previously submitted as the classification for the variant. However, the classification appeared to be based only on an observation of functional data so it was converted to no classification on 2025-07-30.

NM_007294.4(BRCA1):c.134+18A>T

Gene: BRCA1 (BRCA1 DNA repair associated; minus strand). Cytogenetic location: 17q21.31.
Variant type: single nucleotide variant.
Coding change: c.134+18A>T on transcript NM_007294.4 (MANE Select); 18 bases into the intron after coding-DNA position 134, A replaced by T.
Molecular consequence: intron variant.
Genome position (GRCh38, 1-based): chr17:43,115,708, T>A on the plus strand (A>T on the coding strand, the complement: BRCA1 is on the minus strand). VCF-style: chr17-43115708-T-A. GRCh37 (hg19) VCF-style: chr17-41267725-T-A.
Other names: c.-8+18A>T (NM_001408458.1, NM_001408470.1, NM_001407848.1 and 47 more transcripts); c.-219+9569A>T (NM_001407967.1); c.-170+9569A>T (NM_001407959.1); c.-7-9175A>T (NM_001407931.1, NM_001407747.1, NM_001408511.1 and 2 more transcripts); c.-170+18A>T (NM_001407962.1, NM_001408512.1, NM_001408510.1 and 1 more transcripts); c.-55+18A>T (NM_001407885.1, NM_001407886.1, NM_001408509.1 and 52 more transcripts); c.-124+18A>T (NM_001407746.1, NM_001408468.1, NM_001407842.1 and 13 more transcripts); c.-8+8309A>T (NM_001408461.1, NM_001407738.1, NM_001407932.1 and 23 more transcripts); and 10 more.
Identifiers: ClinVar variation 462558 (VCV000462558.14), dbSNP rs1555599182, ClinGen allele CA658656685.
Genomic context (GRCh38, chr17:43,115,708, plus strand): 5'-TAAAGTTAGGTGTTTCCTGGGTTATGAAGGACAAAAACAAAAGCTAATAATGGAGCCACA[T>A]AACACATTCAAACTTACTTGCAAAATATGTGGTCACACTTTGTGGAGACAGGTTCCTTGA-3'